The following is an entry in ClinVar:

NM_005502.4(ABCA1):c.4318C>T (p.Pro1440Ser)

Gene: ABCA1 (ATP binding cassette subfamily A member 1; minus strand). Cytogenetic location: 9q31.1.
Variant type: single nucleotide variant.
Coding change: c.4318C>T on transcript NM_005502.4 (MANE Select); coding-DNA position 4318, C replaced by T.
Protein change: p.Pro1440Ser; replaces proline 1440 with serine.
Molecular consequence: missense variant.
Genome position (GRCh38, 1-based): chr9:104,806,387, G>A on the plus strand (C>T on the coding strand, the complement: ABCA1 is on the minus strand). VCF-style: chr9-104806387-G-A. GRCh37 (hg19) VCF-style: chr9-107568668-G-A.
Other names: short protein forms P1440S.
Identifiers: ClinVar variation 3224755 (VCV003224755.1), dbSNP rs1564104548, ClinGen allele CA374315767.

ClinVar aggregate classification (germline): Uncertain significance (1 of 4 stars; one submission).

Conditions:
Cardiovascular phenotype. Identifiers: MedGen CN230736.

gnomAD v4.1: 4 of 1,614,150 alleles (0.00025%); highest among the groups gnomAD compares: Non-Finnish European, 0.00034%; no homozygotes.

Submission:

Ambry Genetics
Classification: Uncertain significance for Cardiovascular phenotype. Last evaluated: 2024-03-06. Review status: criteria provided, single submitter. Criteria: Ambry Variant Classification Scheme 2023. Collection method: clinical testing. Allele origin: germline.
Comment: The p.P1440S variant (also known as c.4318C>T), located in coding exon 30 of the ABCA1 gene, results from a C to T substitution at nucleotide position 4318. The proline at codon 1440 is replaced by serine, an amino acid with similar properties. This amino acid position is conserved. In addition, this alteration is predicted to be tolerated by in silico analysis. Based on the available evidence, the clinical significance of this alteration remains unclear.